The following is an entry in ClinVar:

ClinVar aggregate classification (germline): Benign. Review status: criteria provided, multiple submitters, no conflicts (2 of 4 stars). 2 submissions from 2 submitters: Benign (2). Last evaluated 2018-06-14.

Allele frequency attached by ClinVar (database versions not stated): gnomAD 0.19056 and 0.19620; TOPMed 0.19936; 1000 Genomes Project 30x 0.20066; gnomAD exomes 0.12280; 1000 Genomes Project 0.19249.
gnomAD v4.1: 74,936 of 525,116 alleles (14%); highest among the groups gnomAD compares: African/African-American, 39%; 7,222 homozygotes.

Submissions (2):

GeneDx
Classification: Benign. Last evaluated: 2018-06-14. Review status: criteria provided, single submitter. Criteria: GeneDx Variant Classification (06012015). Collection method: clinical testing. Allele origin: germline. Affected: yes.
Comment: This variant is considered likely benign or benign based on one or more of the following criteria: it is a conservative change, it occurs at a poorly conserved position in the protein, it is predicted to be benign by multiple in silico algorithms, and/or has population frequency not consistent with disease.

Breakthrough Genomics
Classification: Benign. Review status: criteria provided, single submitter. Criteria: ACMG Guidelines, 2015. Collection method: not provided. Allele origin: germline. Inheritance: Unknown mechanism. Affected: yes.

NM_003477.2(PDHX):c.-717G>C

Genes: APIP (APAF1 interacting protein; minus strand), PDHX (pyruvate dehydrogenase complex component X; plus strand). Cytogenetic location: 11p13.
Variant type: single nucleotide variant.
Coding change: c.-717G>C on transcript NM_003477.2; 717 bases upstream of the start codon, G replaced by C.
Molecular consequence: intron variant (on NM_015957.4).
Genome position (GRCh38, 1-based): chr11:34,915,939, G>C. VCF-style: chr11-34915939-G-C. GRCh37 (hg19) VCF-style: chr11-34937486-G-C.
Other names: c.57+289C>G (NM_015957.4).
Identifiers: ClinVar variation 683422 (VCV000683422.4), dbSNP rs3763930, ClinGen allele CA13459335.